The following is an entry in ClinVar:

NM_000426.4(LAMA2):c.6547C>T (p.Leu2183Phe)

Gene: LAMA2 (laminin subunit alpha 2; plus strand). Cytogenetic location: 6q22.33.
Variant type: single nucleotide variant.
Coding change: c.6547C>T on transcript NM_000426.4 (MANE Select); coding-DNA position 6547, C replaced by T.
Protein change: p.Leu2183Phe; replaces leucine 2183 with phenylalanine.
Molecular consequence: missense variant.
Genome position (GRCh38, 1-based): chr6:129,453,105, C>T. VCF-style: chr6-129453105-C-T. GRCh37 (hg19) VCF-style: chr6-129774250-C-T.
Other names: c.6547C>T, p.Leu2183Phe (NM_001079823.2); short protein forms L2183F.
Identifiers: ClinVar variation 2042105 (VCV002042105.1), dbSNP rs140574226, ClinGen allele CA3994294.

ClinVar aggregate classification (germline): Uncertain significance (1 of 4 stars; one submission).

Conditions:
LAMA2-related muscular dystrophy (LAMA2-RD). Also called: Laminin alpha 2-related dystrophy. Identifiers: MedGen C5679788, MONDO:0100228.

Allele frequency attached by ClinVar (database versions not stated): TOPMed below 0.00001; gnomAD exomes 0.00001; ExAC 0.00002; ESP Exome Variant Server 0.00008.
gnomAD v4.1: 12 of 1,612,966 alleles (0.00074%); highest among the groups gnomAD compares: African/African-American, 0.0027%; no homozygotes.

Submission:

Labcorp Genetics (formerly Invitae), Labcorp
Classification: Uncertain significance for LAMA2-related muscular dystrophy. Last evaluated: 2022-05-30. Review status: criteria provided, single submitter. Criteria: Invitae Variant Classification Sherloc (09022015). Collection method: clinical testing. Allele origin: germline.
Comment: This sequence change replaces leucine, which is neutral and non-polar, with phenylalanine, which is neutral and non-polar, at codon 2183 of the LAMA2 protein (p.Leu2183Phe). This variant is present in population databases (rs140574226, gnomAD 0.002%). This variant has not been reported in the literature in individuals affected with LAMA2-related conditions. Advanced modeling of protein sequence and biophysical properties (such as structural, functional, and spatial information, amino acid conservation, physicochemical variation, residue mobility, and thermodynamic stability) performed at Invitae indicates that this missense variant is not expected to disrupt LAMA2 protein function. In summary, the available evidence is currently insufficient to determine the role of this variant in disease. Therefore, it has been classified as a Variant of Uncertain Significance.